The following is an entry in ClinVar:

ClinVar aggregate classification (germline): Conflicting classifications of pathogenicity. Review status: criteria provided, conflicting classifications (1 of 4 stars). 4 submissions from 4 submitters: Pathogenic (2); Likely pathogenic (1); Uncertain significance (1). Last evaluated 2025-08-19.

Conditions:
Arrhythmogenic right ventricular cardiomyopathy (ARVD). Also called: Arrhythmogenic cardiomyopathy; Arrhythmogenic Right Ventricular Cardiomyopathy (ARVC); Cardiomyopathy, ARVC; Arrhythmogenic right ventricular dysplasia. Identifiers: Orphanet 247, MedGen C0349788, MeSH D019571, MONDO:0016587. Disease mechanism: loss of function. Inheritance: Various modes of inheritance.
Cardiovascular phenotype. Identifiers: MedGen CN230736.
Arrhythmogenic right ventricular dysplasia 10. Also called: Arrhythmogenic Right Ventricular Dysplasia/Cardiomyopathy10; ARRHYTHMOGENIC RIGHT VENTRICULAR DYSPLASIA, FAMILIAL, 10; Arrhythmogenic right ventricular dysplasia/cardiomyopathy, type 10. Identifiers: MedGen C1857777, MONDO:0012434, OMIM 610193.

Submissions (4):

Ambry Genetics
Classification: Pathogenic for Cardiovascular phenotype. Last evaluated: 2025-08-19. Review status: criteria provided, single submitter. Criteria: Ambry Variant Classification Scheme 2023. Collection method: clinical testing. Allele origin: germline.
Comment: The c.253dupA pathogenic mutation, located in coding exon 4 of the DSG2 gene, results from a duplication of A at nucleotide position 253, causing a translational frameshift with a predicted alternate stop codon (p.I85Nfs*21). This variant is considered to be rare based on population cohorts in the Genome Aggregation Database (gnomAD). This alteration is expected to result in loss of function by premature protein truncation or nonsense-mediated mRNA decay. As such, this alteration is interpreted as a disease-causing mutation.

Labcorp Genetics (formerly Invitae), Labcorp
Classification: Pathogenic for Arrhythmogenic right ventricular dysplasia 10. Last evaluated: 2025-04-11. Review status: criteria provided, single submitter. Criteria: Invitae Variant Classification Sherloc (09022015). Collection method: clinical testing. Allele origin: germline.
Comment: This sequence change creates a premature translational stop signal (p.Ile85Asnfs*21) in the DSG2 gene. It is expected to result in an absent or disrupted protein product. Loss-of-function variants in DSG2 are known to be pathogenic (PMID: 17105751, 31386562). This variant is present in population databases (no rsID available, gnomAD 0.006%). This variant has not been reported in the literature in individuals affected with DSG2-related conditions. ClinVar contains an entry for this variant (Variation ID: 3074188). For these reasons, this variant has been classified as Pathogenic.

GeneDx
Classification: Likely pathogenic. Last evaluated: 2024-12-23. Review status: criteria provided, single submitter. Criteria: GeneDx Variant Classification Process June 2021. Collection method: clinical testing. Allele origin: germline.
Comment: Frameshift variant predicted to result in protein truncation or nonsense mediated decay in a gene for which loss of function is a known mechanism of disease; Not observed at significant frequency in large population cohorts (gnomAD); Has not been previously published as pathogenic or benign to our knowledge

All of Us Research Program, National Institutes of Health
Classification: Uncertain significance for Arrhythmogenic right ventricular cardiomyopathy. Last evaluated: 2023-12-01. Review status: criteria provided, single submitter. Criteria: ACMG Guidelines, 2015. Collection method: clinical testing. Allele origin: germline. Inheritance: Autosomal dominant inheritance. Observed: 2 variant alleles, 2 heterozygotes.
Comment: This study involves interpretation of variants in research participants for the purpose of population health screening. Participant phenotype was not available at the time of variant classification. Additional details can be found in publication PMID: 35346344, PMCID: PMC8962531

Literature cited by the submitters: PubMed 17105751 (cited by Labcorp Genetics (formerly Invitae), Labcorp); PubMed 31386562 (cited by Labcorp Genetics (formerly Invitae), Labcorp).

NM_001943.5(DSG2):c.253dup (p.Ile85fs)

Gene: DSG2 (desmoglein 2; plus strand). Cytogenetic location: 18q12.1.
Variant type: Duplication.
Coding change: c.253dup on transcript NM_001943.5 (MANE Select); coding-DNA position 253, one base duplicated (A; older notation c.253dupA).
Protein change: p.Ile85fs; shifts the reading frame from isoleucine 85.
Molecular consequence: frameshift variant.
Genome position (GRCh38, 1-based): chr18:31,520,839, A duplicated; the last of 4 consecutive A bases (chr18:31,520,836-31,520,839); duplicating any one gives the same sequence. VCF-style (leftmost placement, unchanged base first): chr18-31520835-C-CA. GRCh37 (hg19) VCF-style: chr18-29100798-C-CA.
Other names: c.253dupA (NM_001943.3); short protein forms I85fs.
Identifiers: ClinVar variation 3074188 (VCV003074188.6), dbSNP rs1423941653, ClinGen allele CA629453634.
Genomic context (GRCh38, chr18:31,520,835, plus strand): 5'-TGAAACATTCCTGTTATTTTTATGTTAGATACATTCTGATCTTGCAGAAGAAAGAGGACT[C>CA]AAAATTACTTACAAATACACTGGAAAAGGGATTACAGAGCCACCTTTTGGTATATTTGTC-3'